The following is an entry in ClinVar:

ClinVar aggregate classification (germline): Benign/Likely benign. Review status: criteria provided, multiple submitters, no conflicts (2 of 4 stars). 7 submissions from 7 submitters: Benign (1); Likely benign (6). Last evaluated 2025-10-08.

Conditions:
Familial melanoma. Also called: Hereditary melanoma; Hereditary cutaneous melanoma. Identifiers: Orphanet 618, MedGen C1512419, MONDO:0018961.
Melanoma, cutaneous malignant, susceptibility to, 3. Also called: Cutaneous malignant melanoma 3. Identifiers: Orphanet 618, MedGen C1836892, MONDO:0012183, OMIM 609048.
Hereditary cancer-predisposing syndrome. Also called: Hereditary neoplastic syndrome; Tumor predisposition; Neoplastic Syndromes, Hereditary; Hereditary Cancer Syndrome. Identifiers: Orphanet 140162, MedGen C0027672, MeSH D009386, MONDO:0015356.

Allele frequency attached by ClinVar (database versions not stated): gnomAD exomes below 0.00001; gnomAD 0.00001.

Submissions (7):

Labcorp Genetics (formerly Invitae), Labcorp
Classification: Likely benign for Familial melanoma. Last evaluated: 2025-10-08. Review status: criteria provided, single submitter. Criteria: Invitae Variant Classification Sherloc (09022015). Collection method: clinical testing. Allele origin: germline.

Myriad Genetics, Inc.
Classification: Benign for Melanoma, cutaneous malignant, susceptibility to, 3. Last evaluated: 2024-09-25. Review status: criteria provided, single submitter. Criteria: Myriad Autosomal Dominant, Autosomal Recessive and X-Linked Classification Criteria (2023). Collection method: clinical testing. Allele origin: unknown.
Comment: This variant is considered benign. This variant is a silent/synonymous amino acid change and it is not expected to impact splicing.

Quest Diagnostics Nichols Institute San Juan Capistrano
Classification: Likely benign. Last evaluated: 2023-04-03. Review status: criteria provided, single submitter. Criteria: Quest Diagnostics criteria. Collection method: clinical testing. Allele origin: unknown.

CeGaT Center for Human Genetics Tuebingen
Classification: Likely benign. Last evaluated: 2022-11-01. Review status: criteria provided, single submitter. Criteria: CeGaT Center For Human Genetics Tuebingen Variant Classification Criteria Version 2. Collection method: clinical testing. Allele origin: germline. Affected: yes. Observed: 1 variant allele.
Comment: CDK4: BP4, BP7

Sema4
Classification: Likely benign for Hereditary cancer-predisposing syndrome. Last evaluated: 2021-06-13. Review status: criteria provided, single submitter. Criteria: Sema4 Curation Guidelines. Collection method: curation. Allele origin: germline.

Women's Health and Genetics/Laboratory Corporation of America, LabCorp
Classification: Likely benign. Last evaluated: 2019-08-28. Review status: criteria provided, single submitter. Criteria: LabCorp Variant Classification Summary - May 2015. Collection method: clinical testing. Allele origin: germline.

Ambry Genetics
Classification: Likely benign for Hereditary cancer-predisposing syndrome. Last evaluated: 2016-09-19. Review status: criteria provided, single submitter. Criteria: Ambry Variant Classification Scheme 2023. Collection method: clinical testing. Allele origin: germline.

NM_000075.4(CDK4):c.481C>T (p.Leu161=)

Gene: CDK4 (cyclin dependent kinase 4; minus strand). Cytogenetic location: 12q14.1.
Variant type: single nucleotide variant.
Coding change: c.481C>T on transcript NM_000075.4 (MANE Select); coding-DNA position 481, C replaced by T.
Protein change: p.Leu161=; no amino-acid change (leucine 161 retained).
Molecular consequence: synonymous variant.
Genome position (GRCh38, 1-based): chr12:57,750,964, G>A on the plus strand (C>T on the coding strand, the complement: CDK4 is on the minus strand). VCF-style: chr12-57750964-G-A. GRCh37 (hg19) VCF-style: chr12-58144747-G-A.
Other names: c.481C>T (LRG_490t1).
Identifiers: ClinVar variation 483284 (VCV000483284.45), dbSNP rs796860515, ClinGen allele CA237844267.